The following is an entry in ClinVar:

ClinVar aggregate classification (germline): Uncertain significance (1 of 4 stars; one submission).

Submission:

Labcorp Genetics (formerly Invitae), Labcorp
Classification: Uncertain significance. Last evaluated: 2023-04-26. Review status: criteria provided, single submitter. Criteria: Invitae Variant Classification Sherloc (09022015). Collection method: clinical testing. Allele origin: germline.
Comment: In summary, the available evidence is currently insufficient to determine the role of this variant in disease. Therefore, it has been classified as a Variant of Uncertain Significance. Advanced modeling of protein sequence and biophysical properties (such as structural, functional, and spatial information, amino acid conservation, physicochemical variation, residue mobility, and thermodynamic stability) performed at Invitae indicates that this missense variant is not expected to disrupt PIEZO1 protein function. This variant has not been reported in the literature in individuals affected with PIEZO1-related conditions. This variant is not present in population databases (gnomAD no frequency). This sequence change replaces cysteine, which is neutral and slightly polar, with serine, which is neutral and polar, at codon 1931 of the PIEZO1 protein (p.Cys1931Ser).

NM_001142864.4(PIEZO1):c.5792G>C (p.Cys1931Ser)

Gene: PIEZO1 (piezo type mechanosensitive ion channel component 1 (Er blood group); minus strand). Cytogenetic location: 16q24.3.
Variant type: single nucleotide variant.
Coding change: c.5792G>C on transcript NM_001142864.4 (MANE Select); coding-DNA position 5792, G replaced by C.
Protein change: p.Cys1931Ser; replaces cysteine 1931 with serine.
Molecular consequence: missense variant.
Genome position (GRCh38, 1-based): chr16:88,720,625, C>G on the plus strand (G>C on the coding strand, the complement: PIEZO1 is on the minus strand). VCF-style: chr16-88720625-C-G. GRCh37 (hg19) VCF-style: chr16-88787033-C-G.
Other names: c.4334G>C, p.Cys1445Ser (NM_014745.1); short protein forms C1445S, C1931S.
Identifiers: ClinVar variation 2849833 (VCV002849833.3), dbSNP rs2507845227, ClinGen allele CA397087642.